The following is an entry in ClinVar:

ClinVar aggregate classification (germline): Uncertain significance. Review status: criteria provided, multiple submitters, no conflicts (2 of 4 stars). 2 submissions from 2 submitters: Uncertain significance (2). Last evaluated 2025-01-21.

Conditions:
Inborn genetic diseases. Identifiers: MedGen C0950123, MeSH D030342.

Allele frequency attached by ClinVar (database versions not stated): gnomAD 0.00001; ExAC 0.00002; gnomAD exomes 0.00003 and 0.00008.
gnomAD v4.1: 110 of 1,609,888 alleles (0.0068%); highest among the groups gnomAD compares: Non-Finnish European, 0.009%; no homozygotes.

Submissions (2):

Labcorp Genetics (formerly Invitae), Labcorp
Classification: Uncertain significance. Last evaluated: 2025-01-21. Review status: criteria provided, single submitter. Criteria: Invitae Variant Classification Sherloc (09022015). Collection method: clinical testing. Allele origin: germline.
Comment: This sequence change replaces isoleucine, which is neutral and non-polar, with threonine, which is neutral and polar, at codon 178 of the TNNT3 protein (p.Ile178Thr). This variant is present in population databases (rs550500142, gnomAD 0.007%). This variant has not been reported in the literature in individuals affected with TNNT3-related conditions. ClinVar contains an entry for this variant (Variation ID: 1407965). An algorithm developed to predict the effect of missense changes on protein structure and function (PolyPhen-2) suggests that this variant is likely to be disruptive. In summary, the available evidence is currently insufficient to determine the role of this variant in disease. Therefore, it has been classified as a Variant of Uncertain Significance.

Ambry Genetics
Classification: Uncertain significance for Inborn genetic diseases. Last evaluated: 2023-05-17. Review status: criteria provided, single submitter. Criteria: Ambry Variant Classification Scheme 2023. Collection method: clinical testing. Allele origin: germline.

NM_006757.4(TNNT3):c.533T>C (p.Ile178Thr)

Gene: TNNT3 (troponin T3, fast skeletal type; plus strand). Cytogenetic location: 11p15.5.
Variant type: single nucleotide variant.
Coding change: c.533T>C on transcript NM_006757.4 (MANE Select); coding-DNA position 533, T replaced by C.
Protein change: p.Ile178Thr; replaces isoleucine 178 with threonine.
Molecular consequence: missense variant.
Genome position (GRCh38, 1-based): chr11:1,934,598, T>C. VCF-style: chr11-1934598-T-C. GRCh37 (hg19) VCF-style: chr11-1955828-T-C.
Other names: c.509T>C, p.Ile170Thr (NM_001042780.3, NM_001042782.3, NM_001297646.2 and 2 more transcripts); c.527T>C, p.Ile176Thr (NM_001042781.3, NM_001367842.1, NM_001367843.1); c.542T>C, p.Ile181Thr (NM_001363561.2, NM_001367847.1); c.566T>C, p.Ile189Thr (NM_001367846.1); c.530T>C, p.Ile177Thr (NM_001367848.1); c.521T>C, p.Ile174Thr (NM_001367849.1); c.476T>C, p.Ile159Thr (NM_001367850.1); c.329T>C, p.Ile110Thr (NM_001367851.1, NM_001367852.1); and 1 more; short protein forms I110T, I176T, I189T, I177T, I178T, I181T, I170T, I174T.
Identifiers: ClinVar variation 1407965 (VCV001407965.8), dbSNP rs550500142, ClinGen allele CA5816522.
Genomic context (GRCh38, chr11:1,934,598, plus strand): 5'-CGCTGCAGGCTGACCAGAAGAGAGGCAAGAAGCAGACAGCCCGGGAAATGAAGAAGAAGA[T>C]TCTGGCTGAGAGACGCAAGCCGCTCAACATCGATCACCTTGGTGAAGACAAACTGAGGTG-3'
Protein context (NP_006748.1, residues 168-188): KQTAREMKKK[Ile178Thr]LAERRKPLNI